The following is an entry in ClinVar:

ClinVar aggregate classification (germline): Pathogenic. Review status: criteria provided, multiple submitters, no conflicts (2 of 4 stars). 3 submissions from 3 submitters: Pathogenic (2). 1 of the submissions does not count toward it. Last evaluated 2024-10-15.

Conditions:
Severe combined immunodeficiency disease. Also called: Severe Combined Immune Deficiency; Severe combined immunodeficiency. Identifiers: Orphanet 183660, MedGen C0085110, MeSH D016511, MONDO:0015974, HP:0004430. Inheritance: X-Linked or Autosomal recessive.
Cernunnos-XLF deficiency (IMD124). Also called: NHEJ1 SYNDROME; SCID, AUTOSOMAL RECESSIVE, T CELL-NEGATIVE, B CELL-NEGATIVE, NK CELL-POSITIVE, WITH MICROCEPHALY, GROWTH RETARDATION, AND SENSITIVITY TO IONIZING RADIATION; Severe combined immunodeficiency with sensitivity to ionizing radiation due to NHEJ1 deficiency; SCID, autosomal recessive, T cell-negative, B cell-negative, NK cell-positive, and sensitivity to ionizing radiation due to NHEJ1 deficiency; IMMUNODEFICIENCY 124, SEVERE COMBINED. Identifiers: Orphanet 169079, MedGen C1969799, MONDO:0012650, OMIM 611291.

Allele frequency attached by ClinVar (database versions not stated): gnomAD exomes below 0.00001.

Submissions (3):

Women's Health and Genetics/Laboratory Corporation of America, LabCorp
Classification: Pathogenic for Severe combined immunodeficiency disease. Last evaluated: 2024-10-15. Review status: criteria provided, single submitter. Criteria: LabCorp Variant Classification Summary - May 2015. Collection method: clinical testing. Allele origin: germline.
Comment: Variant summary: NHEJ1 c.11dupT (p.Glu5GlyfsX43) results in a premature termination codon, predicted to cause a truncation of the encoded protein or absence of the protein due to nonsense mediated decay, which are commonly known mechanisms for disease. The variant was absent in 251314 control chromosomes. c.11dupT has been reported in the literature in a homozygous individual affected with Severe Combined Immunodeficiency (Ahnesorg_2006). These data indicate that the variant may be associated with disease. At least one publication reports experimental evidence evaluating an impact on protein function. The most pronounced variant effect results in total loss of protein expression in cells from the individual (Ahnesorg_2006). The following publication have been ascertained in the context of this evaluation (PMID: 16439205). ClinVar contains an entry for this variant (Variation ID: 985). Based on the evidence outlined above, the variant was classified as pathogenic.

Labcorp Genetics (formerly Invitae), Labcorp
Classification: Pathogenic for Cernunnos-XLF deficiency. Last evaluated: 2021-03-12. Review status: criteria provided, single submitter. Criteria: Invitae Variant Classification Sherloc (09022015). Collection method: clinical testing. Allele origin: germline.
Comment: This sequence change creates a premature translational stop signal (p.Glu5Glyfs*43) in the NHEJ1 gene. It is expected to result in an absent or disrupted protein product. Loss-of-function variants in NHEJ1 are known to be pathogenic (PMID: 16439204, 20597108). This variant is not present in population databases (ExAC no frequency). This variant has been observed in individual(s) with NHEJ1 deficiency related disease (PMID: 16439205). ClinVar contains an entry for this variant (Variation ID: 985). For these reasons, this variant has been classified as Pathogenic.

OMIM
Classification: Pathogenic for IMMUNODEFICIENCY 124, SEVERE COMBINED. Last evaluated: 2006-05-19. Review status: no assertion criteria provided. Collection method: literature only. Allele origin: germline. Not counted in ClinVar's aggregate classification.

Literature cited by the submitters: PubMed 16439205 (cited by 3 submitters); PubMed 16439204 (cited by Labcorp Genetics (formerly Invitae), Labcorp); PubMed 20597108 (cited by Labcorp Genetics (formerly Invitae), Labcorp); PubMed 12604777 (cited by OMIM); PubMed 16571728 (cited by OMIM).

NM_024782.3(NHEJ1):c.11dup (p.Glu5fs)

Gene: NHEJ1 (non-homologous end joining factor 1; minus strand). Cytogenetic location: 2q35.
Variant type: Duplication.
Coding change: c.11dup on transcript NM_024782.3 (MANE Select); coding-DNA position 11, one base duplicated (T; older notation c.11dupT).
Protein change: p.Glu5fs; shifts the reading frame from glutamic acid 5.
Molecular consequence: frameshift variant. On other transcripts: non-coding transcript variant (1).
Genome position (GRCh38, 1-based): chr2:219,158,352, A duplicated on the plus strand (T on the coding strand, the reverse complement: NHEJ1 is on the minus strand). VCF-style (leftmost placement, unchanged base first): chr2-219158351-C-CA. GRCh37 (hg19) VCF-style: chr2-220023073-C-CA.
Other names: c.11dupT (NM_024782.3); c.11dup, p.Glu5fs (NM_001377498.1, NM_001377499.1); short protein forms E5fs.
Identifiers: ClinVar variation 985 (VCV000000985.11), dbSNP rs886037607, ClinGen allele CA10575467.